The following is an entry in ClinVar:

NM_002635.4(SLC25A3):c.52C>T (p.His18Tyr)

Gene: SLC25A3 (solute carrier family 25 member 3; plus strand). Cytogenetic location: 12q23.1.
Variant type: single nucleotide variant.
Coding change: c.52C>T on transcript NM_002635.4 (MANE Select); coding-DNA position 52, C replaced by T.
Protein change: p.His18Tyr; replaces histidine 18 with tyrosine.
Molecular consequence: missense variant.
Genome position (GRCh38, 1-based): chr12:98,594,030, C>T. VCF-style: chr12-98594030-C-T. GRCh37 (hg19) VCF-style: chr12-98987808-C-T.
Other names: c.52C>T, p.His18Tyr (NM_005888.4, NM_213611.3); c.52C>T (NM_005888.3); short protein forms H18Y.
Identifiers: ClinVar variation 1411081 (VCV001411081.7), dbSNP rs373087005, ClinGen allele CA6732791.
Genomic context (GRCh38, chr12:98,594,030, plus strand): 5'-CCTAGAAAGATGTTCTCGTCCGTGGCGCACCTGGCGCGGGCGAACCCCTTCAACACGCCA[C>T]ATCTGCAGCTGGTGCACGATGGTCTCGGGGACCTCCGCAGCAGCTCCCCAGGGCCCACGG-3'
Protein context (NP_002626.1, residues 8-28): LARANPFNTP[His18Tyr]LQLVHDGLGD

ClinVar aggregate classification (germline): Uncertain significance. Review status: criteria provided, multiple submitters, no conflicts (2 of 4 stars). 2 submissions from 2 submitters: Uncertain significance (2). Last evaluated 2025-06-03.

Allele frequency attached by ClinVar (database versions not stated): gnomAD exomes 0.00005 and 0.00001; TOPMed 0.00015; ESP Exome Variant Server 0.00015; ExAC 0.00005; gnomAD 0.00020 and 0.00022.
gnomAD v4.1: 49 of 1,613,618 alleles (0.003%); highest among the groups gnomAD compares: African/African-American, 0.059%; no homozygotes.

Submissions (2):

Ambry Genetics
Classification: Uncertain significance. Last evaluated: 2025-06-03. Review status: criteria provided, single submitter. Criteria: Ambry Variant Classification Scheme 2023. Collection method: clinical testing. Allele origin: germline.

Labcorp Genetics (formerly Invitae), Labcorp
Classification: Uncertain significance. Last evaluated: 2021-07-27. Review status: criteria provided, single submitter. Criteria: Invitae Variant Classification Sherloc (09022015). Collection method: clinical testing. Allele origin: germline.
Comment: Algorithms developed to predict the effect of missense changes on protein structure and function (SIFT, PolyPhen-2, Align-GVGD) all suggest that this variant is likely to be tolerated. This variant has not been reported in the literature in individuals affected with SLC25A3-related conditions. This variant is present in population databases (rs373087005, ExAC 0.06%). This sequence change replaces histidine with tyrosine at codon 18 of the SLC25A3 protein (p.His18Tyr). The histidine residue is moderately conserved and there is a moderate physicochemical difference between histidine and tyrosine. In summary, the available evidence is currently insufficient to determine the role of this variant in disease. Therefore, it has been classified as a Variant of Uncertain Significance.